The following is an entry in ClinVar:

NM_003108.4(SOX11):c.541G>T (p.Gly181Cys)

Gene: SOX11 (SRY-box transcription factor 11; plus strand). Cytogenetic location: 2p25.2.
Variant type: single nucleotide variant.
Coding change: c.541G>T on transcript NM_003108.4 (MANE Select); coding-DNA position 541, G replaced by T.
Protein change: p.Gly181Cys; replaces glycine 181 with cysteine.
Molecular consequence: missense variant.
Genome position (GRCh38, 1-based): chr2:5,693,262, G>T. VCF-style: chr2-5693262-G-T. GRCh37 (hg19) VCF-style: chr2-5833394-G-T.
Other names: short protein forms G181C.
Identifiers: ClinVar variation 4687362 (VCV004687362.1).

ClinVar aggregate classification (germline): Uncertain significance (1 of 4 stars; one submission).

Submission:

Women's Health and Genetics/Laboratory Corporation of America, LabCorp
Classification: Uncertain significance. Last evaluated: 2025-10-10. Review status: criteria provided, single submitter. Criteria: LabCorp Variant Classification Summary - May 2015. Collection method: clinical testing. Allele origin: germline.
Comment: Variant summary: SOX11 c.541G>T (p.Gly181Cys) results in a non-conservative amino acid change in the encoded protein sequence. Algorithms developed to predict the effect of missense changes on protein structure and function all suggest that this variant is likely to be disruptive. The variant was absent in 17934 control chromosomes. The available data on variant occurrences in the general population are insufficient to allow any conclusion about variant significance. To our knowledge, no occurrence of c.541G>T in individuals affected with SOX11-related conditions and no experimental evidence demonstrating its impact on protein function have been reported. No submitters have cited clinical-significance assessments for this variant to ClinVar. Based on the evidence outlined above, the variant was classified as uncertain significance.